The following is an entry in ClinVar:

NM_000090.4(COL3A1):c.2119A>C (p.Lys707Gln)

Gene: COL3A1 (collagen type III alpha 1 chain; plus strand). Cytogenetic location: 2q32.2.
Variant type: single nucleotide variant.
Coding change: c.2119A>C on transcript NM_000090.4 (MANE Select); coding-DNA position 2119, A replaced by C.
Protein change: p.Lys707Gln; replaces lysine 707 with glutamine.
Molecular consequence: missense variant.
Genome position (GRCh38, 1-based): chr2:188,999,381, A>C. VCF-style: chr2-188999381-A-C. GRCh37 (hg19) VCF-style: chr2-189864107-A-C.
Other names: short protein forms K707Q.
Identifiers: ClinVar variation 4756951 (VCV004756951.1).

ClinVar aggregate classification (germline): Uncertain significance (1 of 4 stars; one submission).

Conditions:
Familial thoracic aortic aneurysm and aortic dissection (TAAD). Also called: Thoracic aortic aneurysms and dissections. Identifiers: Orphanet 91387, MedGen C4707243, MONDO:0019625.

Submission:

Color Diagnostics, LLC DBA Color Health
Classification: Uncertain significance for Familial thoracic aortic aneurysm and aortic dissection. Last evaluated: 2025-06-29. Review status: criteria provided, single submitter. Criteria: ACMG Guidelines, 2015. Collection method: clinical testing. Allele origin: germline.
Comment: This missense variant replaces lysine with glutamine at codon 707 of the COL3A1 protein. Computational prediction is inconclusive regarding the impact of this variant on protein structure and function. To our knowledge, functional studies have not been reported for this variant. This variant has not been reported in individuals affected with COL3A1-related disorders in the literature. This variant has not been identified in the general population by the Genome Aggregation Database (gnomAD). The available evidence is insufficient to determine the role of this variant in disease conclusively. Therefore, this variant is classified as a Variant of Uncertain Significance.